The following is an entry in ClinVar:

ClinVar aggregate classification (germline): Uncertain significance. Review status: criteria provided, multiple submitters, no conflicts (2 of 4 stars). 3 submissions from 3 submitters: Uncertain significance (3). Last evaluated 2021-09-01.

Conditions:
Hearing impairment. Also called: Impaired Hearing. Identifiers: MedGen C1384666, MONDO:0005365, HP:0000365.

Allele frequency attached by ClinVar (database versions not stated): gnomAD exomes below 0.00001 and 0.00001; ExAC 0.00001; gnomAD 0.00001; TOPMed 0.00001; ESP Exome Variant Server 0.00008.
gnomAD v4.1: 10 of 1,603,140 alleles (0.00062%); highest among the groups gnomAD compares: Non-Finnish European, 0.00085%; no homozygotes.

Submissions (3):

Labcorp Genetics (formerly Invitae), Labcorp
Classification: Uncertain significance. Last evaluated: 2021-09-01. Review status: criteria provided, single submitter. Criteria: Invitae Variant Classification Sherloc (09022015). Collection method: clinical testing. Allele origin: germline.

Blueprint Genetics
Classification: Uncertain significance. Last evaluated: 2021-06-21. Review status: criteria provided, single submitter. Criteria: ACMG Guidelines, 2015. Collection method: clinical testing. Allele origin: germline.

Department of Otolaryngology – Head & Neck Surgery, Cochlear Implant Center
Classification: Uncertain significance for Hearing impairment. Last evaluated: 2021-04-12. Review status: criteria provided, single submitter. Criteria: ClinGen HL ACMG Specifications v1. Collection method: clinical testing. Allele origin: germline. Affected: yes.
Comment: PM2_Moderate, BP4_Supporting

NM_032119.4(ADGRV1):c.16625C>A (p.Ala5542Asp)

Gene: ADGRV1 (adhesion G protein-coupled receptor V1; plus strand). Cytogenetic location: 5q14.3.
Variant type: single nucleotide variant.
Coding change: c.16625C>A on transcript NM_032119.4 (MANE Select); coding-DNA position 16625, C replaced by A.
Protein change: p.Ala5542Asp; replaces alanine 5542 with aspartic acid.
Molecular consequence: missense variant. On other transcripts: non-coding transcript variant (1).
Genome position (GRCh38, 1-based): chr5:90,840,591, C>A. VCF-style: chr5-90840591-C-A. GRCh37 (hg19) VCF-style: chr5-90136408-C-A.
Other names: short protein forms A5542D.
Identifiers: ClinVar variation 1000288 (VCV001000288.8), dbSNP rs373121319, ClinGen allele CA3342209.